The following is an entry in ClinVar:

NM_001378454.1(ALMS1):c.9322G>A (p.Ala3108Thr)

Gene: ALMS1 (ALMS1 centrosome and basal body associated protein; plus strand). Cytogenetic location: 2p13.1.
Variant type: single nucleotide variant.
Coding change: c.9322G>A on transcript NM_001378454.1 (MANE Select); coding-DNA position 9322, G replaced by A.
Protein change: p.Ala3108Thr; replaces alanine 3108 with threonine.
Molecular consequence: missense variant.
Genome position (GRCh38, 1-based): chr2:73,491,281, G>A. VCF-style: chr2-73491281-G-A. GRCh37 (hg19) VCF-style: chr2-73718408-G-A.
Other names: c.9325G>A, p.Ala3109Thr (NM_015120.4); short protein forms A3108T, A3109T.
Identifiers: ClinVar variation 4275137 (VCV004275137.1).

ClinVar aggregate classification (germline): Uncertain significance (1 of 4 stars; one submission).

Conditions:
Cardiovascular phenotype. Identifiers: MedGen CN230736.

Submission:

Ambry Genetics
Classification: Uncertain significance for Cardiovascular phenotype. Last evaluated: 2025-08-08. Review status: criteria provided, single submitter. Criteria: Ambry Variant Classification Scheme 2023. Collection method: clinical testing. Allele origin: germline.
Comment: The p.A3109T variant (also known as c.9325G>A), located in coding exon 10 of the ALMS1 gene, results from a G to A substitution at nucleotide position 9325. The alanine at codon 3109 is replaced by threonine, an amino acid with similar properties. This amino acid position is well conserved in available vertebrate species. In addition, this alteration is predicted to be tolerated by in silico analysis. Based on the available evidence, the clinical significance of this variant remains unclear.